The following is an entry in ClinVar:

ClinVar aggregate classification (germline): Uncertain significance (1 of 4 stars; one submission).

Conditions:
Intellectual disability, X-linked, with or without seizures, ARX-related. Also called: Mental retardation, X-linked 52; INTELLECTUAL DEVELOPMENTAL DISORDER, X-LINKED 29; MENTAL RETARDATION, X-LINKED 29; MENTAL RETARDATION, X-LINKED 32; MENTAL RETARDATION, X-LINKED 33; MENTAL RETARDATION, X-LINKED 38. Identifiers: Orphanet 777, MedGen C0796244, MONDO:0010317, OMIM 300419.

Submission:

Myriad Genetics, Inc.
Classification: Uncertain significance for Intellectual disability, X-linked, with or without seizures, ARX-related. Last evaluated: 2026-07-30. Review status: criteria provided, single submitter. Criteria: Myriad Autosomal Dominant, Autosomal Recessive and X-Linked Classification Criteria (2023). Collection method: clinical testing. Allele origin: unknown.
Comment: NM_139058.2(ARX):c.1299_1307dup9(A438_A440dup) is an in-frame insertion classified as a variant of uncertain significance in the context of ARX-related disorders. A438_A440dup has not been observed in cases with relevant disease. Relevant functional assessments of this variant are not available in the literature. A438_A440dup has not been observed in referenced population frequency databases. In summary, there is insufficient evidence to classify NM_139058.2(ARX):c.1299_1307dup9(A438_A440dup) as pathogenic or benign. Please note: this variant was assessed in the context of healthy population screening.

NM_139058.3(ARX):c.1299_1307dup (p.Ala440_Phe441insAlaAlaAla)

Gene: ARX (aristaless related homeobox; minus strand). Cytogenetic location: Xp21.3.
Variant type: Duplication.
Coding change: c.1299_1307dup on transcript NM_139058.3 (MANE Select); coding-DNA positions 1299 to 1307, 9 bases duplicated (TGCCGCCGC; older notation c.1299_1307dupTGCCGCCGC).
Protein change: p.Ala440_Phe441insAlaAlaAla.
Molecular consequence: inframe insertion.
Genome position (GRCh38, 1-based): chrX:25,007,252-25,007,260, GCGGCGGCA duplicated on the plus strand (TGCCGCCGC on the coding strand, the reverse complement: ARX is on the minus strand); duplicating any 9 consecutive bases within chrX:25,007,252-25,007,265 gives the same sequence; the c. name uses the placement nearest the transcript's 3' end. VCF-style (leftmost placement, unchanged base first): chrX-25007251-G-GGCGGCGGCA. GRCh37 (hg19) VCF-style: chrX-25025368-G-GGCGGCGGCA.
Identifiers: ClinVar variation 5003981 (VCV005003981.1).